The following is an entry in ClinVar:

ClinVar aggregate classification (germline): Uncertain significance. Review status: criteria provided, multiple submitters, no conflicts (2 of 4 stars). 3 submissions from 3 submitters: Uncertain significance (3). Last evaluated 2025-10-02.

Conditions:
CFH-related disorder. Also called: CFH-related condition; CFH-related disorders.
Atypical hemolytic-uremic syndrome. Identifiers: Orphanet 2134, MedGen C2931788, MONDO:0016244.

Submissions (3):

Genomenon, Inc
Classification: Uncertain significance for Atypical hemolytic-uremic syndrome. Last evaluated: 2025-10-02. Review status: criteria provided, single submitter. Criteria: Genomenon Sequence Variant Interpretation Standards - Updated. Collection method: curation. Allele origin: germline. Affected: yes.
Comment: CFH p.Val942del (c.2823_2825del) is an in-frame deletion variant that results in the deletion of a single amino acid, Valine at residue 942. This variant has been observed in at least one proband affected with atypical hemolytic-uremic syndrome (PMID:34714369). It is absent or not present at a significant frequency in gnomAD. In conclusion, we classify CFH p.Val942del (c.2823_2825del) as a variant of uncertain significance.

Labcorp Genetics (formerly Invitae), Labcorp
Classification: Uncertain significance. Last evaluated: 2023-07-19. Review status: criteria provided, single submitter. Criteria: Invitae Variant Classification Sherloc (09022015). Collection method: clinical testing. Allele origin: germline.
Comment: In summary, the available evidence is currently insufficient to determine the role of this variant in disease. Therefore, it has been classified as a Variant of Uncertain Significance. Experimental studies and prediction algorithms are not available or were not evaluated, and the functional significance of this variant is currently unknown. This variant has been observed in individual(s) with hemolytic uremic syndrome (PMID: 34714369). This variant is present in population databases (no rsID available, gnomAD 0.0009%). This variant, c.2823_2825del, results in the deletion of 1 amino acid(s) of the CFH protein (p.Val942del), but otherwise preserves the integrity of the reading frame.

PreventionGenetics, part of Exact Sciences
Classification: Uncertain significance for CFH-related condition. Last evaluated: 2023-02-09. Review status: criteria provided, single submitter. Criteria: ACMG Guidelines, 2015. Collection method: clinical testing. Allele origin: germline.
Comment: The CFH c.2823_2825delTGT variant is predicted to result in an in-frame deletion (p.Val942del). This variant has been reported in an individual with hemolytic uremic syndrome (Haydock et al. 2022. PubMed ID: 34714369). This variant is reported in 0.00088% of alleles in individuals of European (Non-Finnish) descent in gnomAD. At this time, the clinical significance of this variant is uncertain due to the absence of conclusive functional and genetic evidence.

Literature cited by the submitters: PubMed 34714369 (cited by Genomenon, Inc and Labcorp Genetics (formerly Invitae), Labcorp).

NM_000186.4(CFH):c.2820TGT[1] (p.Val942del)

Gene: CFH (complement factor H; plus strand). Cytogenetic location: 1q31.3.
Variant type: Microsatellite.
Coding change: c.2820TGT[1] on transcript NM_000186.4 (MANE Select); one copy of the 3-base unit TGT starting at c.2820; the reference has two copies in a row; one copy, 3 bases deleted; also written c.2823_2825del.
Protein change: p.Val942del; deletes valine 942.
Molecular consequence: inframe deletion. On other transcripts: inframe indel (2).
Genome position (GRCh38, 1-based): chr1:196,740,659-196,740,661, TGT deleted; deleting any 3 consecutive bases within chr1:196,740,656-196,740,661 gives the same sequence; the position shown is the placement nearest the transcript's 3' end. VCF-style (leftmost placement, unchanged base first): chr1-196740655-GTGT-G. GRCh37 (hg19) VCF-style: chr1-196709785-GTGT-G.
Other names: c.2820_2822TGT[1], p.Val942del (NM_000186.3); c.2823_2825del (NM_000186.4); c.2823_2825delTGT (NM_000186.3); short protein forms V942del.
Identifiers: ClinVar variation 2636823 (VCV002636823.5), dbSNP rs1383156808, ClinGen allele CA528534050.
Genomic context (GRCh38, chr1:196,740,655, plus strand): 5'-CTGAATTCATTCTTTTTTTTTTAGGCCTTCCTTGTAAATCTCCACCTGAGATTTCTCATG[GTGT>G]TGTAGCTCACATGTCAGACAGTTATCAGTATGGAGAAGAAGTTACGTACAAATGTTTTGA-3'